The following is an entry in ClinVar:

NM_001042492.3(NF1):c.7463T>C (p.Leu2488Pro)

Gene: NF1 (neurofibromin 1; plus strand). Cytogenetic location: 17q11.2.
Variant type: single nucleotide variant.
Coding change: c.7463T>C on transcript NM_001042492.3 (MANE Select); coding-DNA position 7463, T replaced by C.
Protein change: p.Leu2488Pro; replaces leucine 2488 with proline.
Molecular consequence: missense variant.
Genome position (GRCh38, 1-based): chr17:31,352,262, T>C. VCF-style: chr17-31352262-T-C. GRCh37 (hg19) VCF-style: chr17-29679280-T-C.
Other names: c.7400T>C, p.Leu2467Pro (NM_000267.4); short protein forms L2467P, L2488P.
Identifiers: ClinVar variation 949815 (VCV000949815.6), dbSNP rs2070166801, ClinGen allele CA399017408.

ClinVar aggregate classification (germline): Uncertain significance (1 of 4 stars; one submission).

Conditions:
Neurofibromatosis, type 1 (NF1). Also called: VON RECKLINGHAUSEN DISEASE; NEUROFIBROMATOSIS, TYPE I, SOMATIC; Peripheral type neurofibromatosis; Neurofibromatosis, type I. Identifiers: Orphanet 636, MedGen C0027831, MONDO:0018975, OMIM 162200. Disease mechanism: loss of function.

Submission:

Labcorp Genetics (formerly Invitae), Labcorp
Classification: Uncertain significance for Neurofibromatosis, type 1. Last evaluated: 2021-01-15. Review status: criteria provided, single submitter. Criteria: Invitae Variant Classification Sherloc (09022015). Collection method: clinical testing. Allele origin: germline.
Comment: This variant is not present in population databases (ExAC no frequency). In summary, the available evidence is currently insufficient to determine the role of this variant in disease. Therefore, it has been classified as a Variant of Uncertain Significance. Algorithms developed to predict the effect of missense changes on protein structure and function are either unavailable or do not agree on the potential impact of this missense change (SIFT: "Deleterious"; PolyPhen-2: "Possibly Damaging"; Align-GVGD: "Class C0"). This variant has not been reported in the literature in individuals with NF1-related conditions. This sequence change replaces leucine with proline at codon 2467 of the NF1 protein (p.Leu2467Pro). The leucine residue is moderately conserved and there is a moderate physicochemical difference between leucine and proline.